The following is an entry in ClinVar:

NM_006623.4(PHGDH):c.275G>A (p.Gly92Asp)

Gene: PHGDH (phosphoglycerate dehydrogenase; plus strand). Cytogenetic location: 1p12.
Variant type: single nucleotide variant.
Coding change: c.275G>A on transcript NM_006623.4 (MANE Select); coding-DNA position 275, G replaced by A.
Protein change: p.Gly92Asp; replaces glycine 92 with aspartic acid.
Molecular consequence: missense variant.
Genome position (GRCh38, 1-based): chr1:119,721,306, G>A. VCF-style: chr1-119721306-G-A. GRCh37 (hg19) VCF-style: chr1-120263929-G-A.
Other names: short protein forms G92D.
Identifiers: ClinVar variation 2086444 (VCV002086444.4), dbSNP rs1263235299, ClinGen allele CA341847326.

ClinVar aggregate classification (germline): Uncertain significance (1 of 4 stars; one submission).

Conditions:
PHGDH deficiency. Identifiers: Orphanet 79351, MedGen C1866174, MONDO:0011152, OMIM 601815.

Submission:

Labcorp Genetics (formerly Invitae), Labcorp
Classification: Uncertain significance for PHGDH deficiency. Last evaluated: 2022-01-16. Review status: criteria provided, single submitter. Criteria: Invitae Variant Classification Sherloc (09022015). Collection method: clinical testing. Allele origin: germline.
Comment: This variant has not been reported in the literature in individuals affected with PHGDH-related conditions. This sequence change replaces glycine, which is neutral and non-polar, with aspartic acid, which is acidic and polar, at codon 92 of the PHGDH protein (p.Gly92Asp). This variant is not present in population databases (gnomAD no frequency). Algorithms developed to predict the effect of missense changes on protein structure and function are either unavailable or do not agree on the potential impact of this missense change (SIFT: "Tolerated"; PolyPhen-2: "Probably Damaging"; Align-GVGD: "Class C0"). In summary, the available evidence is currently insufficient to determine the role of this variant in disease. Therefore, it has been classified as a Variant of Uncertain Significance.